The following is an entry in ClinVar:

NM_002471.4(MYH6):c.4858A>C (p.Met1620Leu)

Genes: MYH6 (myosin heavy chain 6; minus strand), LOC126861896 (BRD4-independent group 4 enhancer GRCh37_chr14:23854904-23856103; plus strand). Cytogenetic location: 14q11.2.
Variant type: single nucleotide variant.
Coding change: c.4858A>C on transcript NM_002471.4 (MANE Select); coding-DNA position 4858, A replaced by C.
Protein change: p.Met1620Leu; replaces methionine 1620 with leucine.
Molecular consequence: missense variant.
Genome position (GRCh38, 1-based): chr14:23,386,416, T>G on the plus strand (A>C on the coding strand, the complement: MYH6 is on the minus strand). VCF-style: chr14-23386416-T-G. GRCh37 (hg19) VCF-style: chr14-23855625-T-G.
Other names: short protein forms M1620L.
Identifiers: ClinVar variation 4614628 (VCV004614628.2).
Genomic context (GRCh38, chr14:23,386,416, plus strand): 5'-CGGCAGCCATGCGGTTGGCGTGGCTGAGCTGGATCTCCATCTCATTGAGGTCTCCTTCCA[T>G]CTTCTTCTTCACCCTCAGGACCTCGTTGCGGCTGCGTGTCTCTGCATCCAGGGAGGTCTG-3'
Protein context (NP_002462.2, residues 1610-1630): RNEVLRVKKK[Met1620Leu]EGDLNEMEIQ

ClinVar aggregate classification (germline): Uncertain significance (1 of 4 stars; one submission).

Conditions:
Cardiovascular phenotype. Identifiers: MedGen CN230736.

Submission:

Ambry Genetics
Classification: Uncertain significance for Cardiovascular phenotype. Last evaluated: 2026-06-20. Review status: criteria provided, single submitter. Criteria: Ambry Variant Classification Scheme 2023. Collection method: clinical testing. Allele origin: germline.
Comment: The p.M1620L variant (also known as c.4858A>C), located in coding exon 31 of the MYH6 gene, results from an A to C substitution at nucleotide position 4858. The methionine at codon 1620 is replaced by leucine, an amino acid with highly similar properties. This amino acid position is conserved. In addition, the in silico prediction for this alteration is inconclusive. Based on the available evidence, the clinical significance of this variant remains unclear.